The following is an entry in ClinVar:

NM_000038.6(APC):c.422G>A (p.Arg141Lys)

Gene: APC (APC regulator of Wnt signaling pathway; plus strand). Cytogenetic location: 5q22.2.
Variant type: single nucleotide variant.
Coding change: c.422G>A on transcript NM_000038.6 (MANE Select); coding-DNA position 422, G replaced by A.
Protein change: p.Arg141Lys; replaces arginine 141 with lysine.
Molecular consequence: missense variant. On other transcripts: 5 prime UTR variant (1).
Genome position (GRCh38, 1-based): chr5:112,767,390, G>A. VCF-style: chr5-112767390-G-A. GRCh37 (hg19) VCF-style: chr5-112103087-G-A.
Other names: NM_000038.6(APC):c.422G>A; p.Arg141Lys; c.422G>A, p.Arg141Lys (NM_001127510.3, NM_001354895.2, NM_001354896.2 and 2 more transcripts); c.452G>A, p.Arg151Lys (NM_001127511.3, NM_001354897.2, NM_001354902.2); c.347G>A, p.Arg116Lys (NM_001354898.2, NM_001354904.2); c.245G>A, p.Arg82Lys (NM_001354900.2, NM_001354901.2, NM_001354905.2); c.-614G>A (NM_001354906.2); short protein forms R82K, R141K, R116K, R151K.
Identifiers: ClinVar variation 824696 (VCV000824696.14), dbSNP rs1359881085, ClinGen allele CA16022245.

ClinVar aggregate classification (germline): Uncertain significance. Review status: reviewed by expert panel (3 of 4 stars). 6 submissions from 6 submitters: Uncertain significance (1). 5 of the submissions do not count toward it. Last evaluated 2025-05-19.

Conditions:
APC-Associated Polyposis Disorders.
Hereditary cancer-predisposing syndrome. Also called: Neoplastic Syndromes, Hereditary; Tumor predisposition; Hereditary neoplastic syndrome; Hereditary Cancer Syndrome. Identifiers: Orphanet 140162, MedGen C0027672, MeSH D009386, MONDO:0015356.
Classic or attenuated familial adenomatous polyposis. Identifiers: MedGen CN372698, MONDO:0021057.
Familial adenomatous polyposis 1 (FAP1). Also called: POLYPOSIS, ADENOMATOUS INTESTINAL; FAMILIAL ADENOMATOUS POLYPOSIS 1, ATTENUATED. Identifiers: MedGen C2713442, MONDO:0021056, OMIM 175100. Disease mechanism: loss of function.

Allele frequency attached by ClinVar (database versions not stated): gnomAD exomes below 0.00001.

Submissions (6):

ClinGen InSiGHT Hereditary Colorectal Cancer/Polyposis Variant Curation Expert Panel
Classification: Uncertain significance for Familial adenomatous polyposis 1. Last evaluated: 2025-05-19. Review status: reviewed by expert panel. Criteria: ClinGen InSiGHT HCCP VCEP ACMG Specifications APC V1. Collection method: curation. Allele origin: germline. Inheritance: Autosomal dominant inheritance.
Comment: The NM_000038.6(APC):c.422G>A (p.Arg141Lys) variant in APC is a G to non-G change at the last nucleotide of exon 4. It is predicted to cause skipping of exon 4, resulting in a frameshift in a gene in which loss-of-function is an established disease mechanism (List B; PVS1_Strong). However, exon skipping could not be confirmed by RTPCRSeq data. Even though this could be based on technical limitations, the variant allele was present in 35% of normally spliced reads, so the splicing impact seems to be low (internal data Ambry Genetics). The total minor allele frequency in gnomAD v2.1.1 (non-cancer) is 0.0004% (1/236810 alleles), which is lower than the ClinGen InSiGHT Hereditary Colorectal Cancer/Polyposis VCEP (HCCP VCEP) threshold of < 0.001% (0.00001) for PM2_Supporting if the allele count is ≤ 1 and therefore meets this criterion (PM2_Supporting). The variant has been reported in three individuals without a colorectal cancer/polyposis associated phenotype (one person fulfills 0.5 points as a “healthy individual,” for the other two not enough information is available; BS2 not met; internal data Ambry Genetics). In summary, this variant is a variant of uncertain significance (VUS) for autosomal-dominant inherited FAP based on the ACMG/AMP criteria applied, as specified by the HCCP VCEP: PVS1_Strong and PM2_Supporting (VCEP specifications version v2.1.0; date of approval 11/24/2023).

Ambry Genetics
Classification: Uncertain significance for Hereditary cancer-predisposing syndrome. Last evaluated: 2025-08-07. Review status: criteria provided, single submitter. Criteria: Ambry Variant Classification Scheme 2023. Collection method: clinical testing. Allele origin: germline. Not counted in ClinVar's aggregate classification.
Comment: The p.R141K variant (also known as c.422G>A), located in coding exon 3 of the APC gene, results from a G to A substitution at nucleotide position 422. The amino acid change results in arginine to lysine at codon 141, an amino acid with highly similar properties. However, this change occurs in the last base pair of coding exon 3, which makes it likely to have some effect on normal mRNA splicing. This nucleotide position is highly conserved in available vertebrate species. In silico splice site analysis predicts that this alteration will weaken the native splice donor site; however, direct evidence is insufficient at this time (Ambry internal data). This amino acid position is highly conserved in available vertebrate species. In addition, as a missense substitution this is predicted to be inconclusive by in silico analysis. Since supporting evidence is limited at this time, the clinical significance of this alteration remains unclear.

Labcorp Genetics (formerly Invitae), Labcorp
Classification: Uncertain significance for Familial adenomatous polyposis 1. Last evaluated: 2025-01-23. Review status: criteria provided, single submitter. Criteria: Invitae Variant Classification Sherloc (09022015). Collection method: clinical testing. Allele origin: germline. Not counted in ClinVar's aggregate classification.
Comment: This sequence change replaces arginine, which is basic and polar, with lysine, which is basic and polar, at codon 141 of the APC protein (p.Arg141Lys). RNA analysis indicates that this missense change induces altered splicing and may result in an absent or altered protein product. This variant is present in population databases (no rsID available, gnomAD 0.0009%). This variant has not been reported in the literature in individuals affected with APC-related conditions. ClinVar contains an entry for this variant (Variation ID: 824696). An algorithm developed to predict the effect of missense changes on protein structure and function (PolyPhen-2) suggests that this variant is likely to be disruptive. Variants that disrupt the consensus splice site are a relatively common cause of aberrant splicing (PMID: 17576681, 9536098). Studies have shown that this missense change results in retention of intron 3 or part of intron 3, and produces a non-functional protein and/or introduces a premature termination codon (internal data). In summary, the available evidence is currently insufficient to determine the role of this variant in disease. Therefore, it has been classified as a Variant of Uncertain Significance.

All of Us Research Program, National Institutes of Health
Classification: Uncertain significance for Classic or attenuated familial adenomatous polyposis. Last evaluated: 2024-04-16. Review status: criteria provided, single submitter. Criteria: ACMG Guidelines, 2015. Collection method: clinical testing. Allele origin: germline. Inheritance: Autosomal dominant inheritance. Observed: 1 variant allele, 1 heterozygote. Not counted in ClinVar's aggregate classification.
Comment: This missense variant replaces arginine with lysine at codon 141 of the APC protein. Computational prediction is inconclusive regarding the impact of this variant on protein structure and function (internally defined REVEL score threshold 0.5 < inconclusive < 0.7, PMID: 27666373). To our knowledge, functional studies have not been reported for this variant. This variant has not been reported in individuals affected with APC-related disorders in the literature. This variant has been identified in 1/251342 chromosomes in the general population by the Genome Aggregation Database (gnomAD). The available evidence is insufficient to determine the role of this variant in disease conclusively. Therefore, this variant is classified as a Variant of Uncertain Significance.

This study involves interpretation of variants in research participants for the purpose of population health screening. Participant phenotype was not available at the time of variant classification. Additional details can be found in publication PMID: 35346344, PMCID: PMC8962531

Baylor Genetics
Classification: Uncertain significance for Familial adenomatous polyposis 1. Last evaluated: 2023-08-28. Review status: criteria provided, single submitter. Criteria: ACMG Guidelines, 2015. Collection method: clinical testing. Allele origin: unknown. Not counted in ClinVar's aggregate classification.

Illumina Laboratory Services, Illumina
Classification: Uncertain significance for APC-Associated Polyposis Disorders. Last evaluated: 2018-01-13. Review status: criteria provided, single submitter. Criteria: ICSL Variant Classification Criteria 13 December 2019. Collection method: clinical testing. Allele origin: germline. Not counted in ClinVar's aggregate classification.

Literature cited by the submitters: PubMed 17576681 (cited by Labcorp Genetics (formerly Invitae), Labcorp); PubMed 9536098 (cited by Labcorp Genetics (formerly Invitae), Labcorp).